The following is an entry in ClinVar:

NM_016616.5(NME8):c.1167G>C (p.Leu389Phe)

Gene: NME8 (NME/NM23 family member 8; plus strand). Cytogenetic location: 7p14.1.
Variant type: single nucleotide variant.
Coding change: c.1167G>C on transcript NM_016616.5 (MANE Select); coding-DNA position 1167, G replaced by C.
Protein change: p.Leu389Phe; replaces leucine 389 with phenylalanine.
Molecular consequence: missense variant.
Genome position (GRCh38, 1-based): chr7:37,885,172, G>C. VCF-style: chr7-37885172-G-C. GRCh37 (hg19) VCF-style: chr7-37924774-G-C.
Other names: c.1167G>C (NM_016616.4); short protein forms L389F.
Identifiers: ClinVar variation 2893022 (VCV002893022.3), dbSNP rs1785021970, ClinGen allele CA367215943.
Genomic context (GRCh38, chr7:37,885,172, plus strand): 5'-TTATTACCTCTTCTTTGTTTTCTTTTCTAATAGTGGTCCATCTCTAGCCCTTGTTTTATT[G>C]AGAGACAATGGCTTGCAATACTGGAAACAATTACTGGGACCAAGAACTGTTGAAGAAGCC-3'
Protein context (NP_057700.3, residues 379-399): TSGPSLALVL[Leu389Phe]RDNGLQYWKQ

ClinVar aggregate classification (germline): Uncertain significance. Review status: criteria provided, multiple submitters, no conflicts (2 of 4 stars). 2 submissions from 2 submitters: Uncertain significance (2). Last evaluated 2025-12-09.

Conditions:
Primary ciliary dyskinesia 6. Also called: Primary Ciliary Dyskinesia 6: TXNDC3-Related Primary Ciliary Dyskinesia. Identifiers: Orphanet 244, MedGen C1970506, MONDO:0012571, OMIM 610852.
Primary ciliary dyskinesia. Also called: Ciliary dyskinesia. Identifiers: Orphanet 244, MedGen C0008780, MONDO:0016575, HP:0012265.

Allele frequency attached by ClinVar (database versions not stated): gnomAD 0.00001; TOPMed 0.00003.
gnomAD v4.1: 2 of 1,612,546 alleles (0.00012%); highest among the groups gnomAD compares: Admixed American, 0.0017%; no homozygotes.

Submissions (2):

Ambry Genetics
Classification: Uncertain significance for Primary ciliary dyskinesia. Last evaluated: 2025-12-09. Review status: criteria provided, single submitter. Criteria: Ambry Variant Classification Scheme 2023. Collection method: clinical testing. Allele origin: germline.

Labcorp Genetics (formerly Invitae), Labcorp
Classification: Uncertain significance for Primary ciliary dyskinesia 6. Last evaluated: 2023-06-15. Review status: criteria provided, single submitter. Criteria: Invitae Variant Classification Sherloc (09022015). Collection method: clinical testing. Allele origin: germline.
Comment: This variant is not present in population databases (gnomAD no frequency). In summary, the available evidence is currently insufficient to determine the role of this variant in disease. Therefore, it has been classified as a Variant of Uncertain Significance. Advanced modeling of protein sequence and biophysical properties (such as structural, functional, and spatial information, amino acid conservation, physicochemical variation, residue mobility, and thermodynamic stability) performed at Invitae indicates that this missense variant is not expected to disrupt NME8 protein function. This variant has not been reported in the literature in individuals affected with NME8-related conditions. This sequence change replaces leucine, which is neutral and non-polar, with phenylalanine, which is neutral and non-polar, at codon 389 of the NME8 protein (p.Leu389Phe).